The following is an entry in ClinVar:

NM_000059.4(BRCA2):c.9257-6508T>C

Gene: BRCA2 (BRCA2 DNA repair associated; plus strand). Cytogenetic location: 13q13.1.
Variant type: single nucleotide variant.
Coding change: c.9257-6508T>C on transcript NM_000059.4 (MANE Select); 6508 bases into the intron before coding-DNA position 9257, T replaced by C.
Molecular consequence: intron variant.
Genome position (GRCh38, 1-based): chr13:32,388,181, T>C. VCF-style: chr13-32388181-T-C. GRCh37 (hg19) VCF-style: chr13-32962318-T-C.
Other names: IVS 24-6508T>C.
Identifiers: ClinVar variation 209957 (VCV000209957.1), dbSNP rs4942499, ClinGen allele CA276924.

ClinVar aggregate classification (germline): Benign (3 of 4 stars; one submission).

Conditions:
Breast-ovarian cancer, familial, susceptibility to, 2 (BROVCA2). Also called: BRCA2 Hereditary Breast and Ovarian Cancer. Identifiers: Orphanet 145, MedGen C2675520, MONDO:0012933, OMIM 612555. Disease mechanism: loss of function.

Allele frequency attached by ClinVar (database versions not stated): 1000 Genomes Project 30x 0.50843; TOPMed 0.51041; 1000 Genomes Project 0.51138; gnomAD 0.51777 and 0.51789.
gnomAD v4.1: 77,707 of 150,306 alleles (52%); highest among the groups gnomAD compares: East Asian, 57%; 20,188 homozygotes.

Submission:

Evidence-based Network for the Interpretation of Germline Mutant Alleles (ENIGMA)
Classification: Benign for Breast-ovarian cancer, familial 2. Last evaluated: 2015-01-12. Review status: reviewed by expert panel. Criteria: ENIGMA BRCA1/2 Classification Criteria (2015). Collection method: curation. Allele origin: germline.
Comment: Class 1 not pathogenic based on frequency >1% in an outbred sampleset. Frequency 0.549 (Asian), 0.5041 (African), 0.533 (European), derived from 1000 genomes (2012-04-30).